The following is an entry in ClinVar:

NM_000070.3(CAPN3):c.1673C>T (p.Pro558Leu)

Gene: CAPN3 (calpain 3; plus strand). Cytogenetic location: 15q15.1.
Variant type: single nucleotide variant.
Coding change: c.1673C>T on transcript NM_000070.3 (MANE Select); coding-DNA position 1673, C replaced by T.
Protein change: p.Pro558Leu; replaces proline 558 with leucine.
Molecular consequence: missense variant.
Genome position (GRCh38, 1-based): chr15:42,402,930, C>T. VCF-style: chr15-42402930-C-T. GRCh37 (hg19) VCF-style: chr15-42695128-C-T.
Other names: c.1673C>T (NM_000070.2); c.1673C>T, p.Pro558Leu (NM_024344.2); c.1529C>T, p.Pro510Leu (NM_173087.2); c.137C>T, p.Pro46Leu (NM_173088.2); short protein forms P558L, P46L, P510L.
Identifiers: ClinVar variation 286185 (VCV000286185.16), dbSNP rs546820887, ClinGen allele CA10605389.
Genomic context (GRCh38, chr15:42,402,930, plus strand): 5'-TCAACATGCGGGAGGTGTCCCAGCGCTTCCGCCTGCCTCCCAGCGAGTACGTCATCGTGC[C>T]CTCCACCTACGAGCCCCACCAGGAGGGGGAATTCATCCTCCGGGTCTTCTCTGAAAAGAG-3'
Protein context (NP_000061.1, residues 548-568): RLPPSEYVIV[Pro558Leu]STYEPHQEGE

ClinVar aggregate classification (germline): Conflicting classifications of pathogenicity. Review status: criteria provided, conflicting classifications (1 of 4 stars). 5 submissions from 5 submitters: Pathogenic (1); Uncertain significance (4). Last evaluated 2025-03-17.

Conditions:
Autosomal recessive limb-girdle muscular dystrophy type 2A (LGMDR1). Also called: Calpainopathy; MUSCULAR DYSTROPHY, PELVOFEMORAL; Limb-girdle muscular dystrophy, type 2A; Muscular dystrophy, limb-girdle, type 2A, Amish; LEYDEN-MOEBIUS MUSCULAR DYSTROPHY. Identifiers: Orphanet 267, MedGen C1869123, MONDO:0009675, OMIM 253600. Disease mechanism: loss of function.

Allele frequency attached by ClinVar (database versions not stated): gnomAD exomes below 0.00001; gnomAD 0.00001 and 0.00002; 1000 Genomes Project 0.00020; 1000 Genomes Project 30x 0.00031.
gnomAD v4.1: 3 of 1,614,204 alleles (0.00019%); highest among the groups gnomAD compares: Admixed American, 0.005%; no homozygotes.

Submissions (5):

Labcorp Genetics (formerly Invitae), Labcorp
Classification: Pathogenic for Autosomal recessive limb-girdle muscular dystrophy type 2A. Last evaluated: 2025-03-17. Review status: criteria provided, single submitter. Criteria: Invitae Variant Classification Sherloc (09022015). Collection method: clinical testing. Allele origin: germline.
Comment: This sequence change replaces proline, which is neutral and non-polar, with leucine, which is neutral and non-polar, at codon 558 of the CAPN3 protein (p.Pro558Leu). This variant is not present in population databases (gnomAD no frequency). This missense change has been observed in individual(s) with autosomal recessive limb-girdle muscular dystrophy (internal data). In at least one individual the data is consistent with being in trans (on the opposite chromosome) from a pathogenic variant. ClinVar contains an entry for this variant (Variation ID: 286185). Invitae Evidence Modeling of protein sequence and biophysical properties (such as structural, functional, and spatial information, amino acid conservation, physicochemical variation, residue mobility, and thermodynamic stability) indicates that this missense variant is expected to disrupt CAPN3 protein function with a positive predictive value of 80%. For these reasons, this variant has been classified as Pathogenic.

Athena Diagnostics
Classification: Uncertain significance. Last evaluated: 2025-02-21. Review status: criteria provided, single submitter. Criteria: Athena Diagnostics Criteria. Collection method: clinical testing. Allele origin: unknown.
Comment: Available data are insufficient to determine the clinical significance of the variant at this time. The frequency of this variant in the general population is uninformative in assessment of its pathogenicity. Polyphen and MutationTaster predict this amino acid change may be damaging to the protein.

GeneDx
Classification: Uncertain significance. Last evaluated: 2024-08-13. Review status: criteria provided, single submitter. Criteria: GeneDx Variant Classification Process June 2021. Collection method: clinical testing. Allele origin: germline. Affected: yes.
Comment: Not observed at significant frequency in large population cohorts (gnomAD); In silico analysis supports that this missense variant has a deleterious effect on protein structure/function; Has not been previously published as pathogenic or benign to our knowledge

Revvity Omics, Revvity
Classification: Uncertain significance. Last evaluated: 2021-01-19. Review status: criteria provided, single submitter. Criteria: ACMG Guidelines, 2015. Collection method: clinical testing. Allele origin: germline.

Eurofins Ntd Llc (ga)
Classification: Uncertain significance. Last evaluated: 2016-02-09. Review status: criteria provided, single submitter. Criteria: EGL Classification Definitions 2015. Collection method: clinical testing. Allele origin: germline. Observed: 1 variant allele, 1 heterozygote.